The following is an entry in ClinVar:

NM_002529.4(NTRK1):c.1862C>T (p.Pro621Leu)

Gene: NTRK1 (neurotrophic receptor tyrosine kinase 1; plus strand). Cytogenetic location: 1q23.1.
Variant type: single nucleotide variant.
Coding change: c.1862C>T on transcript NM_002529.4 (MANE Select); coding-DNA position 1862, C replaced by T.
Protein change: p.Pro621Leu; replaces proline 621 with leucine.
Molecular consequence: missense variant.
Genome position (GRCh38, 1-based): chr1:156,879,178, C>T. VCF-style: chr1-156879178-C-T. GRCh37 (hg19) VCF-style: chr1-156848970-C-T.
Other names: c.1754C>T, p.Pro585Leu (NM_001007792.1); c.1844C>T, p.Pro615Leu (NM_001012331.2); short protein forms P585L, P621L, P615L.
Identifiers: ClinVar variation 4704606 (VCV004704606.1).

ClinVar aggregate classification (germline): Uncertain significance (1 of 4 stars; one submission).

Conditions:
Hereditary insensitivity to pain with anhidrosis (CIPA). Also called: NTRK1 Congenital Insensitivity to Pain with Anhidrosis; INSENSITIVITY TO PAIN, CONGENITAL, WITH ANHIDROSIS; FAMILIAL DYSAUTONOMIA, TYPE II; NEUROPATHY, CONGENITAL SENSORY, WITH ANHIDROSIS; HSAN Type IV; hereditary sensory and autonomic neuropathy type 4. Identifiers: Orphanet 642, MedGen C0020074, MONDO:0009746, OMIM 256800.

gnomAD v4.1: 1 of 1,613,198 alleles (0.000062%); highest among the groups gnomAD compares: Admixed American, 0.0017%; no homozygotes.

Submission:

Labcorp Genetics (formerly Invitae), Labcorp
Classification: Uncertain significance for Hereditary insensitivity to pain with anhidrosis. Last evaluated: 2025-02-15. Review status: criteria provided, single submitter. Criteria: Invitae Variant Classification Sherloc (09022015). Collection method: clinical testing. Allele origin: germline.
Comment: This sequence change replaces proline, which is neutral and non-polar, with leucine, which is neutral and non-polar, at codon 615 of the NTRK1 protein (p.Pro615Leu). This variant is not present in population databases (gnomAD no frequency). This variant has not been reported in the literature in individuals affected with NTRK1-related conditions. Invitae Evidence Modeling of protein sequence and biophysical properties (such as structural, functional, and spatial information, amino acid conservation, physicochemical variation, residue mobility, and thermodynamic stability) indicates that this missense variant is not expected to disrupt NTRK1 protein function with a negative predictive value of 95%. In summary, the available evidence is currently insufficient to determine the role of this variant in disease. Therefore, it has been classified as a Variant of Uncertain Significance.